The following is an entry in ClinVar:

ClinVar aggregate classification (germline): Uncertain significance (1 of 4 stars; one submission).

Submission:

Labcorp Genetics (formerly Invitae), Labcorp
Classification: Uncertain significance. Last evaluated: 2024-08-13. Review status: criteria provided, single submitter. Criteria: Invitae Variant Classification Sherloc (09022015). Collection method: clinical testing. Allele origin: germline.
Comment: This sequence change affects codon 385 of the ANKZF1 mRNA. It is a 'silent' change, meaning that it does not change the encoded amino acid sequence of the ANKZF1 protein. This variant is not present in population databases (gnomAD no frequency). This variant has not been reported in the literature in individuals affected with ANKZF1-related conditions. Algorithms developed to predict the effect of sequence changes on RNA splicing suggest that this variant may disrupt the consensus splice site. In summary, the available evidence is currently insufficient to determine the role of this variant in disease. Therefore, it has been classified as a Variant of Uncertain Significance.

NM_018089.3(ANKZF1):c.1155C>T (p.Cys385=)

Gene: ANKZF1 (ankyrin repeat and zinc finger peptidyl tRNA hydrolase 1; plus strand). Cytogenetic location: 2q35.
Variant type: single nucleotide variant.
Coding change: c.1155C>T on transcript NM_018089.3 (MANE Select); coding-DNA position 1155, C replaced by T.
Protein change: p.Cys385=; no amino-acid change (cysteine 385 retained).
Molecular consequence: synonymous variant.
Genome position (GRCh38, 1-based): chr2:219,234,239, C>T. VCF-style: chr2-219234239-C-T. GRCh37 (hg19) VCF-style: chr2-220098961-C-T.
Other names: c.1155C>T, p.Cys385= (NM_001042410.2); c.525C>T, p.Cys175= (NM_001282792.2).
Identifiers: ClinVar variation 3670141 (VCV003670141.2).
Genomic context (GRCh38, chr2:219,234,239, plus strand): 5'-CTGGAAAACAGTAAGAGAGGAGAGAAAGAAGCCTACTGAGGAAGAAATAAGAAAGATCTG[C>T]AGGGATGAAAAGGAAGCGCTGGGGCAGAATGAGGAATCTCCCAAACAGGGTTTGATTACT-3'
Protein context (NP_060559.2, residues 375-395): KPTEEEIRKI[Cys385=]RDEKEALGQN